The following is an entry in ClinVar:

ClinVar aggregate classification (germline): Benign. Review status: criteria provided, multiple submitters, no conflicts (2 of 4 stars). 3 submissions from 2 submitters: Benign (3). Last evaluated 2018-01-12.

Conditions:
DNA ligase IV deficiency. Identifiers: Orphanet 99812, MedGen C1847827, MONDO:0011686, OMIM 606593.
Severe combined immunodeficiency due to DCLRE1C deficiency (RS-SCID). Also called: SCID, AUTOSOMAL RECESSIVE, T CELL-NEGATIVE, B CELL-NEGATIVE, NK CELL-POSITIVE, WITH SENSITIVITY TO IONIZING RADIATION. Identifiers: Orphanet 275, MedGen C1865371, MONDO:0011225, OMIM 602450.

Allele frequency attached by ClinVar (database versions not stated): gnomAD 0.09986 and 0.09890; TOPMed 0.09443; 1000 Genomes Project 0.07109; 1000 Genomes Project 30x 0.07417.

Submissions (3):

Illumina Laboratory Services, Illumina
Classification: Benign for DNA ligase IV deficiency. Last evaluated: 2018-01-12. Review status: criteria provided, single submitter. Criteria: ICSL Variant Classification Criteria 13 December 2019. Collection method: clinical testing. Allele origin: germline.
Comment: This variant was observed in the ICSL laboratory as part of a predisposition screen in an ostensibly healthy population. It had not been previously curated by ICSL or reported in the Human Gene Mutation Database (HGMD: prior to June 1st, 2018), and was therefore a candidate for classification through an automated scoring system. Utilizing variant allele frequency, disease prevalence and penetrance estimates, and inheritance mode, an automated score was calculated to assess if this variant is too frequent to cause the disease. Based on the score and internal cut-off values, a variant classified as benign is not then subjected to further curation. The score for this variant resulted in a classification of benign for this disease.

Illumina Laboratory Services, Illumina
Classification: Benign for Severe combined immunodeficiency due to DCLRE1C deficiency. Last evaluated: 2018-01-12. Review status: criteria provided, single submitter. Criteria: ICSL Variant Classification Criteria 13 December 2019. Collection method: clinical testing. Allele origin: germline.
Comment: the same text as in the submission from Illumina Laboratory Services, Illumina above.

Breakthrough Genomics
Classification: Benign. Review status: criteria provided, single submitter. Criteria: ACMG Guidelines, 2015. Collection method: not provided. Allele origin: germline. Inheritance: Autosomal recessive inheritance. Affected: yes.

NM_206937.2(LIG4):c.*677A>G

Gene: LIG4 (DNA ligase 4; minus strand). Cytogenetic location: 13q33.3.
Variant type: single nucleotide variant.
Coding change: c.*677A>G on transcript NM_206937.2 (MANE Select); 677 bases downstream of the stop codon, A replaced by G.
Molecular consequence: 3 prime UTR variant.
Genome position (GRCh38, 1-based): chr13:108,207,856, T>C on the plus strand (A>G on the coding strand, the complement: LIG4 is on the minus strand). VCF-style: chr13-108207856-T-C. GRCh37 (hg19) VCF-style: chr13-108860204-T-C.
Other names: c.*677A>G (NM_001098268.2, NM_001330595.2, NM_001352598.2 and 8 more transcripts).
Identifiers: ClinVar variation 310954 (VCV000310954.6), dbSNP rs3093772, ClinGen allele CA10643680.